The following is an entry in ClinVar:

NM_004304.5(ALK):c.833C>T (p.Pro278Leu)

Gene: ALK (ALK receptor tyrosine kinase; minus strand). Cytogenetic location: 2p23.2.
Variant type: single nucleotide variant.
Coding change: c.833C>T on transcript NM_004304.5 (MANE Select); coding-DNA position 833, C replaced by T.
Protein change: p.Pro278Leu; replaces proline 278 with leucine.
Molecular consequence: missense variant.
Genome position (GRCh38, 1-based): chr2:29,694,969, G>A on the plus strand (C>T on the coding strand, the complement: ALK is on the minus strand). VCF-style: chr2-29694969-G-A. GRCh37 (hg19) VCF-style: chr2-29917835-G-A.
Other names: short protein forms P278L.
Identifiers: ClinVar variation 581011 (VCV000581011.13), dbSNP rs199703254, ClinGen allele CA1594839.

ClinVar aggregate classification (germline): Conflicting classifications of pathogenicity. Review status: criteria provided, conflicting classifications (1 of 4 stars). 3 submissions from 3 submitters: Uncertain significance (2); Benign (1). Last evaluated 2026-01-19.

Conditions:
Neuroblastoma, susceptibility to, 3. Also called: ALK-Related Neuroblastic Tumor Susceptibility. Identifiers: Orphanet 635, MedGen C2751681, MONDO:0013083, OMIM 613014.
Hereditary cancer-predisposing syndrome. Also called: Hereditary neoplastic syndrome; Tumor predisposition; Hereditary Cancer Syndrome; Neoplastic Syndromes, Hereditary. Identifiers: Orphanet 140162, MedGen C0027672, MeSH D009386, MONDO:0015356.

Allele frequency attached by ClinVar (database versions not stated): gnomAD 0.00003; gnomAD exomes 0.00004; ExAC 0.00007; 1000 Genomes Project 30x 0.00016; 1000 Genomes Project 0.00020.
gnomAD v4.1: 19 of 1,614,140 alleles (0.0012%); highest among the groups gnomAD compares: East Asian, 0.04%; no homozygotes.

Submissions (3):

Labcorp Genetics (formerly Invitae), Labcorp
Classification: Uncertain significance for Neuroblastoma, susceptibility to, 3. Last evaluated: 2026-01-19. Review status: criteria provided, single submitter. Criteria: Invitae Variant Classification Sherloc (09022015). Collection method: clinical testing. Allele origin: germline.
Comment: This sequence change replaces proline, which is neutral and non-polar, with leucine, which is neutral and non-polar, at codon 278 of the ALK protein (p.Pro278Leu). This variant is present in population databases (rs199703254, gnomAD 0.05%). This variant has not been reported in the literature in individuals affected with ALK-related conditions. ClinVar contains an entry for this variant (Variation ID: 581011). An algorithm developed to predict the effect of missense changes on protein structure and function (PolyPhen-2) suggests that this variant is likely to be tolerated. In summary, the available evidence is currently insufficient to determine the role of this variant in disease. Therefore, it has been classified as a Variant of Uncertain Significance.

Ambry Genetics
Classification: Benign for Hereditary cancer-predisposing syndrome. Last evaluated: 2024-10-28. Review status: criteria provided, single submitter. Criteria: Ambry Variant Classification Scheme 2023. Collection method: clinical testing. Allele origin: germline.

Baylor Genetics
Classification: Uncertain significance for Neuroblastoma, susceptibility to, 3. Last evaluated: 2024-02-20. Review status: criteria provided, single submitter. Criteria: ACMG Guidelines, 2015. Collection method: clinical testing. Allele origin: unknown.